The following is an entry in ClinVar:

NM_001009944.3(PKD1):c.4474C>T (p.Arg1492Cys)

Gene: PKD1 (polycystin 1, transient receptor potential channel interacting; minus strand). Cytogenetic location: 16p13.3.
Variant type: single nucleotide variant.
Coding change: c.4474C>T on transcript NM_001009944.3 (MANE Select); coding-DNA position 4474, C replaced by T.
Protein change: p.Arg1492Cys; replaces arginine 1492 with cysteine.
Molecular consequence: missense variant.
Genome position (GRCh38, 1-based): chr16:2,110,693, G>A on the plus strand (C>T on the coding strand, the complement: PKD1 is on the minus strand). VCF-style: chr16-2110693-G-A. GRCh37 (hg19) VCF-style: chr16-2160694-G-A.
Other names: c.4474C>T, p.Arg1492Cys (NM_000296.4); short protein forms R1492C.
Identifiers: ClinVar variation 3773968 (VCV003773968.1).
Genomic context (GRCh38, chr16:2,110,693, plus strand): 5'-CCGGACCCTCGAGCCACCCACCGTCCCCCAGATCCCACAGGTAGCTGGCGGGGCGCCCAC[G>A]GCCCACAGCAGAGAACAGGTACGGCTGCTGCAGCTCCAGCCCAAGGGAGCCATTGACCTT-3'
Protein context (NP_001009944.3, residues 1482-1502): QQPYLFSAVG[Arg1492Cys]GRPASYLWDL

ClinVar aggregate classification (germline): Uncertain significance (1 of 4 stars; one submission).

gnomAD v4.1: 30 of 1,610,156 alleles (0.0019%); highest among the groups gnomAD compares: East Asian, 0.0067%; no homozygotes.

Submission:

GeneDx
Classification: Uncertain significance. Last evaluated: 2024-09-20. Review status: criteria provided, single submitter. Criteria: GeneDx Variant Classification Process June 2021. Collection method: clinical testing. Allele origin: germline. Affected: yes.
Comment: Not observed at significant frequency in large population cohorts (gnomAD); In silico analysis indicates that this missense variant does not alter protein structure/function; Has not been previously published as pathogenic or benign to our knowledge